The following is an entry in ClinVar:

ClinVar aggregate classification (germline): Likely benign (1 of 4 stars; one submission).

Allele frequency attached by ClinVar (database versions not stated): ESP Exome Variant Server 0.00008; 1000 Genomes Project 0.00140; 1000 Genomes Project 30x 0.00141.
gnomAD v4.1: 123 of 1,613,956 alleles (0.0076%); highest among the groups gnomAD compares: East Asian, 0.2%; no homozygotes.

Submission:

CeGaT Center for Human Genetics Tuebingen
Classification: Likely benign. Last evaluated: 2022-11-01. Review status: criteria provided, single submitter. Criteria: CeGaT Center For Human Genetics Tuebingen Variant Classification Criteria Version 2. Collection method: clinical testing. Allele origin: germline. Affected: yes. Observed: 1 variant allele.
Comment: ACOX3: BP4, BP7

NM_003501.3(ACOX3):c.1404C>T (p.Leu468=)

Gene: ACOX3 (acyl-CoA oxidase 3, pristanoyl; minus strand). Cytogenetic location: 4p16.1.
Variant type: single nucleotide variant.
Coding change: c.1404C>T on transcript NM_003501.3 (MANE Select); coding-DNA position 1404, C replaced by T.
Protein change: p.Leu468=; no amino-acid change (leucine 468 retained).
Molecular consequence: synonymous variant.
Genome position (GRCh38, 1-based): chr4:8,389,631, G>A on the plus strand (C>T on the coding strand, the complement: ACOX3 is on the minus strand). VCF-style: chr4-8389631-G-A. GRCh37 (hg19) VCF-style: chr4-8391358-G-A.
Other names: c.1404C>T, p.Leu468= (NM_001101667.2, NM_001375783.1, NM_001375785.1 and 4 more transcripts); c.1332C>T, p.Leu444= (NM_001375784.1); c.1119C>T, p.Leu373= (NM_001375789.1).
Identifiers: ClinVar variation 2654656 (VCV002654656.24), dbSNP rs116406348, ClinGen allele CA2851238.